The following is an entry in ClinVar:

ClinVar aggregate classification (germline): Uncertain significance (1 of 4 stars; one submission).

Conditions:
Cardiovascular phenotype. Identifiers: MedGen CN230736.

Submission:

Ambry Genetics
Classification: Uncertain significance for Cardiovascular phenotype. Last evaluated: 2026-06-12. Review status: criteria provided, single submitter. Criteria: Ambry Variant Classification Scheme 2023. Collection method: clinical testing. Allele origin: germline.
Comment: The p.T1166I variant (also known as c.3497C>T), located in coding exon 32 of the MYBPC3 gene, results from a C to T substitution at nucleotide position 3497. The threonine at codon 1166 is replaced by isoleucine, an amino acid with similar properties. This amino acid position is conserved. In addition, this alteration is predicted to be tolerated by in silico analysis. Based on the available evidence, the clinical significance of this variant remains unclear.

NM_000256.3(MYBPC3):c.3497C>T (p.Thr1166Ile)

Gene: MYBPC3 (myosin binding protein C3; minus strand). Cytogenetic location: 11p11.2.
Variant type: single nucleotide variant.
Coding change: c.3497C>T on transcript NM_000256.3 (MANE Select); coding-DNA position 3497, C replaced by T.
Protein change: p.Thr1166Ile; replaces threonine 1166 with isoleucine.
Molecular consequence: missense variant.
Genome position (GRCh38, 1-based): chr11:47,332,696, G>A on the plus strand (C>T on the coding strand, the complement: MYBPC3 is on the minus strand). VCF-style: chr11-47332696-G-A. GRCh37 (hg19) VCF-style: chr11-47354247-G-A.
Other names: short protein forms T1166I.
Identifiers: ClinVar variation 4860511 (VCV004860511.1).